The following is an entry in ClinVar:

ClinVar aggregate classification (germline): Uncertain significance (1 of 4 stars; one submission).

gnomAD v4.1: 2 of 1,614,134 alleles (0.00012%); highest among the groups gnomAD compares: Non-Finnish European, 0.00017%; no homozygotes.

Submission:

Labcorp Genetics (formerly Invitae), Labcorp
Classification: Uncertain significance. Last evaluated: 2024-05-03. Review status: criteria provided, single submitter. Criteria: Invitae Variant Classification Sherloc (09022015). Collection method: clinical testing. Allele origin: germline.
Comment: This sequence change replaces isoleucine, which is neutral and non-polar, with methionine, which is neutral and non-polar, at codon 1172 of the RP1 protein (p.Ile1172Met). This variant is not present in population databases (gnomAD no frequency). This variant has not been reported in the literature in individuals affected with RP1-related conditions. An algorithm developed to predict the effect of missense changes on protein structure and function (PolyPhen-2) suggests that this variant is likely to be disruptive. In summary, the available evidence is currently insufficient to determine the role of this variant in disease. Therefore, it has been classified as a Variant of Uncertain Significance.

NM_006269.2(RP1):c.3516C>G (p.Ile1172Met)

Gene: RP1 (RP1 axonemal microtubule associated; plus strand). Cytogenetic location: 8q12.1.
Variant type: single nucleotide variant.
Coding change: c.3516C>G on transcript NM_006269.2 (MANE Select); coding-DNA position 3516, C replaced by G.
Protein change: p.Ile1172Met; replaces isoleucine 1172 with methionine.
Molecular consequence: missense variant. On other transcripts: intron variant (1).
Genome position (GRCh38, 1-based): chr8:54,627,398, C>G. VCF-style: chr8-54627398-C-G. GRCh37 (hg19) VCF-style: chr8-55539958-C-G.
Other names: c.787+5110C>G (NM_001375654.1); short protein forms I1172M.
Identifiers: ClinVar variation 3677006 (VCV003677006.2).
Genomic context (GRCh38, chr8:54,627,398, plus strand): 5'-GGCTACCAACAAATCTTCAGAAACACTTGCATTGTTGGAGATTCTAAAGCACATAGCTAT[C>G]ACAGAGGAAGCTGATGACTTGAAAGCTGCTGTTGCCAATTTAGTGGAGTCAACTACAAGC-3'
Protein context (NP_006260.1, residues 1162-1182): ALLEILKHIA[Ile1172Met]TEEADDLKAA